The following is an entry in ClinVar:

ClinVar aggregate classification (germline): Uncertain significance. Review status: criteria provided, multiple submitters, no conflicts (2 of 4 stars). 7 submissions from 7 submitters: Uncertain significance (6). 1 of the submissions does not count toward it. Last evaluated 2024-12-04.

Conditions:
Birt-Hogg-Dube syndrome 1 (BHD1). Also called: FIBROFOLLICULOMAS WITH TRICHODISCOMAS AND ACROCHORDONS. Identifiers: Orphanet 122, MedGen CN375946, MONDO:0800445, OMIM 135150.
Colorectal cancer. Also called: Colorectal cancer, somatic; Malignant Colorectal Neoplasm. Identifiers: MedGen C0346629, MONDO:0005575, OMIM 114500.
Nonpapillary renal cell carcinoma. Identifiers: Orphanet 422526, MedGen CN074294, MONDO:0007763, OMIM 144700.
Familial spontaneous pneumothorax (PSP). Identifiers: Orphanet 2903, MedGen C1868193, MONDO:0008259, OMIM 173600.
Hereditary cancer-predisposing syndrome. Also called: Hereditary neoplastic syndrome; Neoplastic Syndromes, Hereditary; Tumor predisposition; Hereditary Cancer Syndrome. Identifiers: Orphanet 140162, MedGen C0027672, MeSH D009386, MONDO:0015356.
Hepatoblastoma. Identifiers: Orphanet 449, MedGen C0206624, MONDO:0018666, HP:0002884.
Birt-Hogg-Dube syndrome. Also called: Birt Hogg Dubé syndrome. Identifiers: Orphanet 122, MedGen C0346010, MONDO:0800444.

Allele frequency attached by ClinVar (database versions not stated): gnomAD exomes below 0.00001; gnomAD 0.00001; TOPMed 0.00001.
gnomAD v4.1: 6 of 1,614,072 alleles (0.00037%); highest among the groups gnomAD compares: Middle Eastern, 0.016%; no homozygotes.

Submissions (7):

Ambry Genetics
Classification: Uncertain significance for Hereditary cancer-predisposing syndrome. Last evaluated: 2024-12-04. Review status: criteria provided, single submitter. Criteria: Ambry Variant Classification Scheme 2023. Collection method: clinical testing. Allele origin: germline.
Comment: The p.Y95C variant (also known as c.284A>G), located in coding exon 2 of the FLCN gene, results from an A to G substitution at nucleotide position 284. The tyrosine at codon 95 is replaced by cysteine, an amino acid with highly dissimilar properties. In one study, this alteration was identified in a cohort of 21 hepatoblastoma patients (Aguiar T et al. Front Genet, 2022 Apr;13:858396). This amino acid position is not well conserved in available vertebrate species. In addition, the in silico prediction for this alteration is inconclusive. Based on the available evidence, the clinical significance of this variant remains unclear.

Labcorp Genetics (formerly Invitae), Labcorp
Classification: Uncertain significance for Birt-Hogg-Dube syndrome. Last evaluated: 2024-08-15. Review status: criteria provided, single submitter. Criteria: Invitae Variant Classification Sherloc (09022015). Collection method: clinical testing. Allele origin: germline.
Comment: This sequence change replaces tyrosine, which is neutral and polar, with cysteine, which is neutral and slightly polar, at codon 95 of the FLCN protein (p.Tyr95Cys). This variant is not present in population databases (gnomAD no frequency). This missense change has been observed in individual(s) with hepatoblastoma (PMID: 35495172). ClinVar contains an entry for this variant (Variation ID: 460611). Invitae Evidence Modeling of protein sequence and biophysical properties (such as structural, functional, and spatial information, amino acid conservation, physicochemical variation, residue mobility, and thermodynamic stability) indicates that this missense variant is not expected to disrupt FLCN protein function with a negative predictive value of 80%. In summary, the available evidence is currently insufficient to determine the role of this variant in disease. Therefore, it has been classified as a Variant of Uncertain Significance.

Genomic Medicine Center of Excellence, King Faisal Specialist Hospital and Research Centre
Classification: Uncertain significance for Birt-Hogg-Dube syndrome 1. Last evaluated: 2024-03-29. Review status: criteria provided, single submitter. Criteria: ACMG Guidelines, 2015. Collection method: clinical testing. Allele origin: germline.

Fulgent Genetics
Classification: Uncertain significance for Colorectal cancer; Birt-Hogg-Dube syndrome 1; Nonpapillary renal cell carcinoma; Familial spontaneous pneumothorax. Last evaluated: 2024-02-05. Review status: criteria provided, single submitter. Criteria: ACMG Guidelines, 2015. Collection method: clinical testing. Allele origin: germline.

Quest Diagnostics Nichols Institute San Juan Capistrano
Classification: Uncertain significance. Last evaluated: 2022-06-01. Review status: criteria provided, single submitter. Criteria: Quest Diagnostics criteria. Collection method: clinical testing. Allele origin: unknown.
Comment: The variant has not been reported in the published literature. It also has not been reported in large, multi-ethnic general populations. Analysis of this variant using bioinformatics tools for the prediction of the effect of amino acid changes on protein structure and function yielded conflicting predictions that this variant is benign or damaging. Based on the available information, we are unable to determine the clinical significance of this variant.

Revvity Omics, Revvity
Classification: Uncertain significance. Last evaluated: 2021-01-04. Review status: criteria provided, single submitter. Criteria: ACMG Guidelines, 2015. Collection method: clinical testing. Allele origin: germline.

Molecular Oncology -  Human Genetics Lab, University of Sao Paulo
Classification: Uncertain significance for Hepatoblastoma. Review status: no assertion criteria provided. Collection method: research. Allele origin: germline. Affected: yes. Not counted in ClinVar's aggregate classification.

Literature cited by the submitters: PubMed 35495172 (cited by Ambry Genetics and Labcorp Genetics (formerly Invitae), Labcorp).

NM_144997.7(FLCN):c.284A>G (p.Tyr95Cys)

Gene: FLCN (folliculin; minus strand). Cytogenetic location: 17p11.2.
Variant type: single nucleotide variant.
Coding change: c.284A>G on transcript NM_144997.7 (MANE Select); coding-DNA position 284, A replaced by G.
Protein change: p.Tyr95Cys; replaces tyrosine 95 with cysteine.
Molecular consequence: missense variant.
Genome position (GRCh38, 1-based): chr17:17,226,288, T>C on the plus strand (A>G on the coding strand, the complement: FLCN is on the minus strand). VCF-style: chr17-17226288-T-C. GRCh37 (hg19) VCF-style: chr17-17129602-T-C.
Other names: c.284A>G (LRG_325t1, NM_144997.6); c.284A>G, p.Tyr95Cys (NM_001353229.2, NM_001353230.2, NM_001353231.2 and 1 more transcripts); short protein forms Y95C.
Identifiers: ClinVar variation 460611 (VCV000460611.18), dbSNP rs1555610947, ClinGen allele CA398534933.